The following is an entry in ClinVar:

ClinVar aggregate classification (germline): Pathogenic. Review status: criteria provided, multiple submitters, no conflicts (2 of 4 stars). 3 submissions from 3 submitters: Pathogenic (3). Last evaluated 2025-07-30.

Conditions:
Hereditary cancer-predisposing syndrome. Also called: Neoplastic Syndromes, Hereditary; Tumor predisposition; Hereditary Cancer Syndrome; Hereditary neoplastic syndrome. Identifiers: Orphanet 140162, MedGen C0027672, MeSH D009386, MONDO:0015356.
Breast-ovarian cancer, familial, susceptibility to, 4. Identifiers: Orphanet 145, MedGen C3280345, MONDO:0013669, OMIM 614291.

Allele frequency attached by ClinVar (database versions not stated): gnomAD 0.00001.

Submissions (3):

Ambry Genetics
Classification: Pathogenic for Hereditary cancer-predisposing syndrome. Last evaluated: 2025-07-30. Review status: criteria provided, single submitter. Criteria: Ambry Variant Classification Scheme 2023. Collection method: clinical testing. Allele origin: germline.
Comment: The c.461_462insTT pathogenic mutation, located in coding exon 5 of the RAD51D gene, results from an insertion of two nucleotides at position 461, causing a translational frameshift with a predicted alternate stop codon (p.Q155Sfs*40). This variant is considered to be rare based on population cohorts in the Genome Aggregation Database (gnomAD). This alteration is expected to result in loss of function by premature protein truncation or nonsense-mediated mRNA decay. As such, this alteration is interpreted as a disease-causing mutation.

Labcorp Genetics (formerly Invitae), Labcorp
Classification: Pathogenic for Breast-ovarian cancer, familial, susceptibility to, 4. Last evaluated: 2024-07-19. Review status: criteria provided, single submitter. Criteria: Invitae Variant Classification Sherloc (09022015). Collection method: clinical testing. Allele origin: germline.
Comment: This sequence change creates a premature translational stop signal (p.Gln155Serfs*40) in the RAD51D gene. It is expected to result in an absent or disrupted protein product. Loss-of-function variants in RAD51D are known to be pathogenic (PMID: 21822267). This variant is not present in population databases (gnomAD no frequency). This variant has not been reported in the literature in individuals affected with RAD51D-related conditions. ClinVar contains an entry for this variant (Variation ID: 472609). For these reasons, this variant has been classified as Pathogenic.

Myriad Genetics, Inc.
Classification: Pathogenic for Breast-ovarian cancer, familial, susceptibility to, 4. Last evaluated: 2024-01-04. Review status: criteria provided, single submitter. Criteria: Myriad Autosomal Dominant, Autosomal Recessive and X-Linked Classification Criteria (2023). Collection method: clinical testing. Allele origin: unknown.
Comment: This variant is considered pathogenic. This variant creates a frameshift predicted to result in premature protein truncation.

Literature cited by the submitters: PubMed 21822267 (cited by Labcorp Genetics (formerly Invitae), Labcorp).

NM_002878.4(RAD51D):c.461_462insTT (p.Gln155fs)

Genes: RAD51L3-RFFL (RAD51L3-RFFL readthrough; minus strand), RAD51D (RAD51 paralog D; minus strand). Cytogenetic location: 17q12.
Variant type: Insertion.
Coding change: c.461_462insTT on transcript NM_002878.4 (MANE Select); coding-DNA positions 461 to 462, TT inserted.
Protein change: p.Gln155fs; shifts the reading frame from glutamine 155.
Molecular consequence: frameshift variant. On other transcripts: non-coding transcript variant (1), intron variant (1).
Genome position: GRCh38 VCF-style: chr17-35107006-G-GAA. GRCh37 (hg19) VCF-style: chr17-33434025-G-GAA.
Other names: c.521_522insTT, p.Gln175fs (NM_001142571.2); c.145-526_145-525insTT (NM_133629.3); short protein forms Q175fs, Q155fs.
Identifiers: ClinVar variation 472609 (VCV000472609.11), dbSNP rs1555568296, ClinGen allele CA658656582.